The following is an entry in ClinVar:

NM_000465.4(BARD1):c.1285G>A (p.Glu429Lys)

Gene: BARD1 (BRCA1 associated RING domain 1; minus strand). Cytogenetic location: 2q35.
Variant type: single nucleotide variant.
Coding change: c.1285G>A on transcript NM_000465.4 (MANE Select); coding-DNA position 1285, G replaced by A.
Protein change: p.Glu429Lys; replaces glutamic acid 429 with lysine.
Molecular consequence: missense variant. On other transcripts: non-coding transcript variant (2), intron variant (3).
Genome position (GRCh38, 1-based): chr2:214,780,589, C>T on the plus strand (G>A on the coding strand, the complement: BARD1 is on the minus strand). VCF-style: chr2-214780589-C-T. GRCh37 (hg19) VCF-style: chr2-215645313-C-T.
Other names: c.1228G>A, p.Glu410Lys (NM_001282543.2); c.159-28034G>A (NM_001282548.2); c.215+16472G>A (NM_001282545.2); c.364+11708G>A (NM_001282549.2); short protein forms E429K, E410K.
Identifiers: ClinVar variation 237817 (VCV000237817.13), dbSNP rs878853998, ClinGen allele CA10581928.
Genomic context (GRCh38, chr2:214,780,589, plus strand): 5'-CTGAGATGGTATTTCAGAGTAAGCATCCTACCTTAATAGAAGCAATATGGAGCAAAGTCT[C>T]TCCTCTATGATTTCTTTTCACAGCCATATTGGGCAACAGCTTCATTGCTGAGGGACTAGA-3'
Protein context (NP_000456.2, residues 419-439): NMAVKRNHRG[Glu429Lys]TLLHIASIKG

ClinVar aggregate classification (germline): Uncertain significance. Review status: criteria provided, multiple submitters, no conflicts (2 of 4 stars). 3 submissions from 3 submitters: Uncertain significance (3). Last evaluated 2026-07-09.

Conditions:
BARD1-related disorder. Also called: BARD1-related condition.
Hereditary cancer-predisposing syndrome. Also called: Neoplastic Syndromes, Hereditary; Hereditary neoplastic syndrome; Hereditary Cancer Syndrome; Tumor predisposition. Identifiers: Orphanet 140162, MedGen C0027672, MeSH D009386, MONDO:0015356.
Familial cancer of breast. Also called: BREAST CANCER, FAMILIAL; Hereditary breast cancer; hereditary breast carcinoma. Identifiers: Orphanet 227535, MedGen C0346153, MONDO:0016419, OMIM 114480. Disease mechanism: loss of function.

Allele frequency attached by ClinVar (database versions not stated): gnomAD exomes 0.00001.
gnomAD v4.1: 7 of 1,614,006 alleles (0.00043%); highest among the groups gnomAD compares: Non-Finnish European, 0.00059%; no homozygotes.

Submissions (3):

PreventionGenetics, part of Exact Sciences
Classification: Uncertain significance for BARD1-related condition. Last evaluated: 2026-07-09. Review status: criteria provided, single submitter. Criteria: ACMG Guidelines, 2015. Collection method: clinical testing. Allele origin: germline.
Comment: The BARD1 c.1285G>A variant is predicted to result in the amino acid substitution p.Glu429Lys. To our knowledge, this variant has not been reported in the literature or in a large population database (gnomAD), indicating this variant is rare. This variant is interpreted as uncertain in ClinVar (Variation ID: 237817). At this time, the clinical significance of this variant is uncertain due to the absence of conclusive functional and genetic evidence.

Labcorp Genetics (formerly Invitae), Labcorp
Classification: Uncertain significance for Familial cancer of breast. Last evaluated: 2024-06-10. Review status: criteria provided, single submitter. Criteria: Invitae Variant Classification Sherloc (09022015). Collection method: clinical testing. Allele origin: germline.
Comment: This sequence change replaces glutamic acid, which is acidic and polar, with lysine, which is basic and polar, at codon 429 of the BARD1 protein (p.Glu429Lys). This variant is not present in population databases (gnomAD no frequency). This variant has not been reported in the literature in individuals affected with BARD1-related conditions. ClinVar contains an entry for this variant (Variation ID: 237817). An algorithm developed to predict the effect of missense changes on protein structure and function (PolyPhen-2) suggests that this variant is likely to be disruptive. In summary, the available evidence is currently insufficient to determine the role of this variant in disease. Therefore, it has been classified as a Variant of Uncertain Significance.

Ambry Genetics
Classification: Uncertain significance for Hereditary cancer-predisposing syndrome. Last evaluated: 2024-01-31. Review status: criteria provided, single submitter. Criteria: Ambry Variant Classification Scheme 2023. Collection method: clinical testing. Allele origin: germline.
Comment: The p.E429K variant (also known as c.1285G>A), located in coding exon 4 of the BARD1 gene, results from a G to A substitution at nucleotide position 1285. The glutamic acid at codon 429 is replaced by lysine, an amino acid with similar properties. This amino acid position is highly conserved in available vertebrate species. In addition, the in silico prediction for this alteration is inconclusive. Since supporting evidence is limited at this time, the clinical significance of this alteration remains unclear.